The following is an entry in ClinVar:

ClinVar aggregate classification (germline): Uncertain significance (1 of 4 stars; one submission).

Conditions:
Idiopathic generalized epilepsy. Also called: Generalised epilepsy; EIG. Identifiers: MedGen C0270850, MONDO:0005579, OMIM 600669.
Hyperaldosteronism, familial, type IV (HALD4). Also called: FH IV; ALDOSTERONISM, PRIMARY, AND HYPERTENSION. Identifiers: Orphanet 642671, MedGen C4310756, MONDO:0014875, OMIM 617027.

Submission:

Labcorp Genetics (formerly Invitae), Labcorp
Classification: Uncertain significance for Idiopathic generalized epilepsy; Hyperaldosteronism, familial, type IV. Last evaluated: 2022-07-15. Review status: criteria provided, single submitter. Criteria: Invitae Variant Classification Sherloc (09022015). Collection method: clinical testing. Allele origin: germline.
Comment: In summary, the available evidence is currently insufficient to determine the role of this variant in disease. Therefore, it has been classified as a Variant of Uncertain Significance. Advanced modeling of protein sequence and biophysical properties (such as structural, functional, and spatial information, amino acid conservation, physicochemical variation, residue mobility, and thermodynamic stability) performed at Invitae indicates that this missense variant is not expected to disrupt CACNA1H protein function. This sequence change replaces leucine, which is neutral and non-polar, with glutamine, which is neutral and polar, at codon 1193 of the CACNA1H protein (p.Leu1193Gln). This variant has not been reported in the literature in individuals affected with CACNA1H-related conditions. This variant is not present in population databases (gnomAD no frequency).

NM_021098.3(CACNA1H):c.3578T>A (p.Leu1193Gln)

Gene: CACNA1H (calcium voltage-gated channel subunit alpha1 H; plus strand). Cytogenetic location: 16p13.3.
Variant type: single nucleotide variant.
Coding change: c.3578T>A on transcript NM_021098.3 (MANE Select); coding-DNA position 3578, T replaced by A.
Protein change: p.Leu1193Gln; replaces leucine 1193 with glutamine.
Molecular consequence: missense variant.
Genome position (GRCh38, 1-based): chr16:1,209,246, T>A. VCF-style: chr16-1209246-T-A. GRCh37 (hg19) VCF-style: chr16-1259246-T-A.
Other names: c.3578T>A, p.Leu1193Gln (NM_001005407.2); short protein forms L1193Q.
Identifiers: ClinVar variation 2068060 (VCV002068060.4), dbSNP rs2548691079, ClinGen allele CA394174037.